The following is an entry in ClinVar:

NM_006739.4(MCM5):c.1979T>G (p.Val660Gly)

Gene: MCM5 (minichromosome maintenance complex component 5; plus strand). Cytogenetic location: 22q12.3.
Variant type: single nucleotide variant.
Coding change: c.1979T>G on transcript NM_006739.4 (MANE Select); coding-DNA position 1979, T replaced by G.
Protein change: p.Val660Gly; replaces valine 660 with glycine.
Molecular consequence: missense variant.
Genome position (GRCh38, 1-based): chr22:35,423,217, T>G. VCF-style: chr22-35423217-T-G. GRCh37 (hg19) VCF-style: chr22-35819210-T-G.
Other names: c.1979T>G (NM_006739.3); short protein forms V660G.
Identifiers: ClinVar variation 1908835 (VCV001908835.6), dbSNP rs770902895, ClinGen allele CA10205629.
Genomic context (GRCh38, chr22:35,423,217, plus strand): 5'-GTCCAAGAACTCCCATTGTCCCAGCTCCCCGGCTGCCTCACTTCTCCATGCCCACAGGGG[T>G]GGAGGGCTTCACCAGCCAGGAGGACCAGGAGATGCTGAGCCGCATCGAGAAGCAGCTCAA-3'
Protein context (NP_006730.2, residues 650-670): DAALSGTLSG[Val660Gly]EGFTSQEDQE

ClinVar aggregate classification (germline): Uncertain significance. Review status: criteria provided, multiple submitters, no conflicts (2 of 4 stars). 2 submissions from 2 submitters: Uncertain significance (2). Last evaluated 2024-04-08.

Allele frequency attached by ClinVar (database versions not stated): gnomAD exomes 0.00003; ExAC 0.00007.
gnomAD v4.1: 43 of 1,581,186 alleles (0.0027%); highest among the groups gnomAD compares: South Asian, 0.047%; no homozygotes.

Submissions (2):

Ambry Genetics
Classification: Uncertain significance. Last evaluated: 2024-04-08. Review status: criteria provided, single submitter. Criteria: Ambry Variant Classification Scheme 2023. Collection method: clinical testing. Allele origin: germline.

Labcorp Genetics (formerly Invitae), Labcorp
Classification: Uncertain significance. Last evaluated: 2023-10-05. Review status: criteria provided, single submitter. Criteria: Invitae Variant Classification Sherloc (09022015). Collection method: clinical testing. Allele origin: germline.
Comment: This sequence change replaces valine, which is neutral and non-polar, with glycine, which is neutral and non-polar, at codon 660 of the MCM5 protein (p.Val660Gly). This variant is present in population databases (rs770902895, gnomAD 0.04%). This variant has not been reported in the literature in individuals affected with MCM5-related conditions. ClinVar contains an entry for this variant (Variation ID: 1908835). Advanced modeling of protein sequence and biophysical properties (such as structural, functional, and spatial information, amino acid conservation, physicochemical variation, residue mobility, and thermodynamic stability) performed at Invitae indicates that this missense variant is not expected to disrupt MCM5 protein function. In summary, the available evidence is currently insufficient to determine the role of this variant in disease. Therefore, it has been classified as a Variant of Uncertain Significance.